The following is an entry in ClinVar:

ClinVar aggregate classification (germline): Likely benign. Review status: criteria provided, multiple submitters, no conflicts (2 of 4 stars). 4 submissions from 4 submitters: Likely benign (3). 1 of the submissions does not count toward it. Last evaluated 2026-08-01.

Conditions:
IQCE-related disorder. Also called: IQCE-related condition.

Allele frequency attached by ClinVar (database versions not stated): 1000 Genomes Project 0.00240; 1000 Genomes Project 30x 0.00281; ESP Exome Variant Server 0.00375; gnomAD 0.00413 and 0.00431; gnomAD exomes 0.00432 and 0.00517; TOPMed 0.00458; ExAC 0.00499.
gnomAD v4.1: 8,153 of 1,604,434 alleles (0.51%); highest among the groups gnomAD compares: Middle Eastern, 1.3%; 39 homozygotes.

Submissions (4):

CeGaT Center for Human Genetics Tuebingen
Classification: Likely benign. Last evaluated: 2026-08-01. Review status: criteria provided, single submitter. Criteria: CeGaT Center For Human Genetics Tuebingen Variant Classification Criteria Version 2. Collection method: clinical testing. Allele origin: germline. Affected: yes. Observed: 4 variant alleles.
Comment: IQCE: BP4, BS2

Genomic Medicine Center of Excellence, King Faisal Specialist Hospital and Research Centre
Classification: Likely benign. Last evaluated: 2025-08-18. Review status: criteria provided, single submitter. Criteria: ACMG Guidelines, 2015. Collection method: clinical testing. Allele origin: germline.

Breakthrough Genomics
Classification: Likely benign. Review status: criteria provided, single submitter. Criteria: ACMG Guidelines, 2015. Collection method: not provided. Allele origin: germline. Inheritance: Autosomal recessive inheritance. Affected: yes.

PreventionGenetics, part of Exact Sciences
Classification: Likely benign for IQCE-related condition. Last evaluated: 2019-08-20. Review status: no assertion criteria provided. Collection method: clinical testing. Allele origin: germline. Not counted in ClinVar's aggregate classification.
Comment: This variant is classified as likely benign based on ACMG/AMP sequence variant interpretation guidelines (Richards et al. 2015 PMID: 25741868, with internal and published modifications).

NM_152558.5(IQCE):c.1756C>T (p.Pro586Ser)

Gene: IQCE (IQ motif containing E; plus strand). Cytogenetic location: 7p22.3.
Variant type: single nucleotide variant.
Coding change: c.1756C>T on transcript NM_152558.5 (MANE Select); coding-DNA position 1756, C replaced by T.
Protein change: p.Pro586Ser; replaces proline 586 with serine.
Molecular consequence: missense variant.
Genome position (GRCh38, 1-based): chr7:2,605,888, C>T. VCF-style: chr7-2605888-C-T. GRCh37 (hg19) VCF-style: chr7-2645522-C-T.
Other names: c.1756C>T, p.Pro586Ser (NM_001287499.2); c.1708C>T, p.Pro570Ser (NM_001287500.2); c.1561C>T, p.Pro521Ser (NM_001287501.2, NM_001287502.2); c.1756C>T (NM_152558.4); short protein forms P570S, P586S, P521S.
Identifiers: ClinVar variation 871386 (VCV000871386.44), dbSNP rs112274087, ClinGen allele CA4129461.